The following is an entry in ClinVar:

ClinVar aggregate classification (germline): Pathogenic (1 of 4 stars; one submission).

Submission:

Labcorp Genetics (formerly Invitae), Labcorp
Classification: Pathogenic. Last evaluated: 2025-05-13. Review status: criteria provided, single submitter. Criteria: Invitae Variant Classification Sherloc (09022015). Collection method: clinical testing. Allele origin: germline.
Comment: This sequence change creates a premature translational stop signal (p.Gln141*) in the IMPAD1 gene. It is expected to result in an absent or disrupted protein product. Loss-of-function variants in IMPAD1 are known to be pathogenic (PMID: 21549340, 22887726). This variant is not present in population databases (gnomAD no frequency). This variant has not been reported in the literature in individuals affected with IMPAD1-related conditions. ClinVar contains an entry for this variant (Variation ID: 2713994). For these reasons, this variant has been classified as Pathogenic.

Literature cited by the submitters: PubMed 21549340; PubMed 22887726.

NM_017813.5(BPNT2):c.421C>T (p.Gln141Ter)

Gene: BPNT2 (3'(2'), 5'-bisphosphate nucleotidase 2; minus strand). Cytogenetic location: 8q12.1.
Variant type: single nucleotide variant.
Coding change: c.421C>T on transcript NM_017813.5 (MANE Select); coding-DNA position 421, C replaced by T.
Protein change: p.Gln141Ter; replaces glutamine 141 with a stop codon.
Molecular consequence: nonsense.
Genome position (GRCh38, 1-based): chr8:56,980,164, G>A on the plus strand (C>T on the coding strand, the complement: BPNT2 is on the minus strand). VCF-style: chr8-56980164-G-A. GRCh37 (hg19) VCF-style: chr8-57892723-G-A.
Other names: short protein forms Q141*.
Identifiers: ClinVar variation 2713994 (VCV002713994.3), dbSNP rs2129205437, ClinGen allele CA371388213.